The following is an entry in ClinVar:

NM_004086.3(COCH):c.1151G>A (p.Arg384His)

Genes: COCH (cochlin; plus strand), COCH-AS1 (COCH antisense RNA 1; minus strand). Cytogenetic location: 14q12.
Variant type: single nucleotide variant.
Coding change: c.1151G>A on transcript NM_004086.3 (MANE Select); coding-DNA position 1151, G replaced by A.
Protein change: p.Arg384His; replaces arginine 384 with histidine.
Molecular consequence: missense variant. On other transcripts: non-coding transcript variant (1).
Genome position (GRCh38, 1-based): chr14:30,885,986, G>A. VCF-style: chr14-30885986-G-A. GRCh37 (hg19) VCF-style: chr14-31355192-G-A.
Other names: c.1151G>A, p.Arg384His (NM_001135058.2); c.1346G>A, p.Arg449His (NM_001347720.2); short protein forms R384H, R449H.
Identifiers: ClinVar variation 1202378 (VCV001202378.6), dbSNP rs545418366, ClinGen allele CA7143276.

ClinVar aggregate classification (germline): Uncertain significance. Review status: criteria provided, multiple submitters, no conflicts (2 of 4 stars). 2 submissions from 2 submitters: Uncertain significance (2). Last evaluated 2025-04-11.

Allele frequency attached by ClinVar (database versions not stated): gnomAD 0.00005 and 0.00007; TOPMed 0.00005; gnomAD exomes 0.00006 and 0.00008; ExAC 0.00009; 1000 Genomes Project 30x 0.00016; 1000 Genomes Project 0.00020.
gnomAD v4.1: 92 of 1,614,140 alleles (0.0057%); highest among the groups gnomAD compares: South Asian, 0.047%; no homozygotes.

Submissions (2):

GeneDx
Classification: Uncertain significance. Last evaluated: 2025-04-11. Review status: criteria provided, single submitter. Criteria: GeneDx Variant Classification Process June 2021. Collection method: clinical testing. Allele origin: germline. Affected: yes.
Comment: In silico analysis supports that this missense variant has a deleterious effect on protein structure/function; This variant is associated with the following publications: (PMID: 34515852)

Labcorp Genetics (formerly Invitae), Labcorp
Classification: Uncertain significance. Last evaluated: 2024-02-22. Review status: criteria provided, single submitter. Criteria: Invitae Variant Classification Sherloc (09022015). Collection method: clinical testing. Allele origin: germline.
Comment: This sequence change replaces arginine, which is basic and polar, with histidine, which is basic and polar, at codon 384 of the COCH protein (p.Arg384His). This variant is present in population databases (rs545418366, gnomAD 0.04%). This variant has not been reported in the literature in individuals affected with COCH-related conditions. ClinVar contains an entry for this variant (Variation ID: 1202378). Algorithms developed to predict the effect of missense changes on protein structure and function output the following: SIFT: "Not Available"; PolyPhen-2: "Benign"; Align-GVGD: "Not Available". The histidine amino acid residue is found in multiple mammalian species, which suggests that this missense change does not adversely affect protein function. In summary, the available evidence is currently insufficient to determine the role of this variant in disease. Therefore, it has been classified as a Variant of Uncertain Significance.